The following is an entry in ClinVar:

NM_001093.4(ACACB):c.128C>T (p.Pro43Leu)

Gene: ACACB (acetyl-CoA carboxylase beta; plus strand). Cytogenetic location: 12q24.11.
Variant type: single nucleotide variant.
Coding change: c.128C>T on transcript NM_001093.4 (MANE Select); coding-DNA position 128, C replaced by T.
Protein change: p.Pro43Leu; replaces proline 43 with leucine.
Molecular consequence: missense variant. On other transcripts: intron variant (1).
Genome position (GRCh38, 1-based): chr12:109,139,533, C>T. VCF-style: chr12-109139533-C-T. GRCh37 (hg19) VCF-style: chr12-109577338-C-T.
Other names: c.128C>T, p.Pro43Leu (NM_001412734.1, NM_001412735.1); c.26+26118C>T (NM_001412737.1); short protein forms P43L.
Identifiers: ClinVar variation 3133603 (VCV003133603.2), dbSNP rs142445607, ClinGen allele CA6772881.

ClinVar aggregate classification (germline): Likely benign. Review status: criteria provided, single submitter (1 of 4 stars). 2 submissions from 2 submitters: Likely benign (1). 1 of the submissions does not count toward it. Last evaluated 2024-01-12.

Conditions:
ACACB-related disorder. Also called: ACACB-related condition.

Allele frequency attached by ClinVar (database versions not stated): ExAC 0.00020; gnomAD 0.00074; 1000 Genomes Project 0.00080; TOPMed 0.00081; ESP Exome Variant Server 0.00108; 1000 Genomes Project 30x 0.00109.
gnomAD v4.1: 221 of 1,614,126 alleles (0.014%); highest among the groups gnomAD compares: African/African-American, 0.23%; 1 homozygote.

Submissions (2):

Ambry Genetics
Classification: Likely benign. Last evaluated: 2024-01-12. Review status: criteria provided, single submitter. Criteria: Ambry Variant Classification Scheme 2023. Collection method: clinical testing. Allele origin: germline.

PreventionGenetics, part of Exact Sciences
Classification: Likely benign for ACACB-related condition. Last evaluated: 2024-03-27. Review status: no assertion criteria provided. Collection method: clinical testing. Allele origin: germline. Not counted in ClinVar's aggregate classification.
Comment: This variant is classified as likely benign based on ACMG/AMP sequence variant interpretation guidelines (Richards et al. 2015 PMID: 25741868, with internal and published modifications).